The following is an entry in ClinVar:

ClinVar aggregate classification (germline): Pathogenic. Review status: criteria provided, multiple submitters, no conflicts (2 of 4 stars). 2 submissions from 2 submitters: Pathogenic (2). Last evaluated 2025-01-07.

Conditions:
Familial cancer of breast. Also called: Hereditary breast cancer; BREAST CANCER, FAMILIAL; hereditary breast carcinoma. Identifiers: Orphanet 227535, MedGen C0346153, MONDO:0016419, OMIM 114480. Disease mechanism: loss of function.
Hereditary cancer-predisposing syndrome. Also called: Neoplastic Syndromes, Hereditary; Hereditary neoplastic syndrome; Tumor predisposition; Hereditary Cancer Syndrome. Identifiers: Orphanet 140162, MedGen C0027672, MeSH D009386, MONDO:0015356.

Submissions (2):

Ambry Genetics
Classification: Pathogenic for Hereditary cancer-predisposing syndrome. Last evaluated: 2025-01-07. Review status: criteria provided, single submitter. Criteria: Ambry Variant Classification Scheme 2023. Collection method: clinical testing. Allele origin: germline.
Comment: The c.716delA pathogenic mutation, located in coding exon 5 of the CHEK2 gene, results from a deletion of one nucleotide at nucleotide position 716, causing a translational frameshift with a predicted alternate stop codon (p.E239Gfs*8). This variant is considered to be rare based on population cohorts in the Genome Aggregation Database (gnomAD). This alteration is expected to result in loss of function by premature protein truncation or nonsense-mediated mRNA decay. As such, this alteration is interpreted as a disease-causing mutation.

Labcorp Genetics (formerly Invitae), Labcorp
Classification: Pathogenic for Familial cancer of breast. Last evaluated: 2023-01-17. Review status: criteria provided, single submitter. Criteria: Invitae Variant Classification Sherloc (09022015). Collection method: clinical testing. Allele origin: germline.
Comment: For these reasons, this variant has been classified as Pathogenic. This variant has not been reported in the literature in individuals affected with CHEK2-related conditions. This variant is not present in population databases (gnomAD no frequency). This sequence change creates a premature translational stop signal (p.Glu239Glyfs*8) in the CHEK2 gene. It is expected to result in an absent or disrupted protein product. Loss-of-function variants in CHEK2 are known to be pathogenic (PMID: 21876083, 24713400).

Literature cited by the submitters: PubMed 21876083 (cited by Labcorp Genetics (formerly Invitae), Labcorp); PubMed 24713400 (cited by Labcorp Genetics (formerly Invitae), Labcorp).

NM_007194.4(CHEK2):c.716del (p.Glu239fs)

Gene: CHEK2 (checkpoint kinase 2; minus strand). Cytogenetic location: 22q12.1.
Variant type: Deletion.
Coding change: c.716del on transcript NM_007194.4 (MANE Select); coding-DNA position 716, one base deleted (A; older notation c.716delA).
Protein change: p.Glu239fs; shifts the reading frame from glutamic acid 239.
Molecular consequence: frameshift variant.
Genome position (GRCh38, 1-based): chr22:28,711,985, T deleted on the plus strand (A on the coding strand, the reverse complement: CHEK2 is on the minus strand). VCF-style (leftmost placement, unchanged base first): chr22-28711984-CT-C. GRCh37 (hg19) VCF-style: chr22-29107972-CT-C.
Other names: c.845delA, p.Glu282Glyfs (NM_001005735.3); c.53delA, p.Glu18Glyfs (NM_001257387.3); c.515delA, p.Glu172Glyfs (NM_001349956.3); c.716delA, p.Glu239Glyfs (NM_145862.3); short protein forms E172fs, E239fs, E282fs, E18fs.
Identifiers: ClinVar variation 2823724 (VCV002823724.4), dbSNP rs2517962654, ClinGen allele CA2739265669.